The following is an entry in ClinVar:

NM_000501.4(ELN):c.140G>C (p.Gly47Ala)

Gene: ELN (elastin; plus strand). Cytogenetic location: 7q11.23.
Variant type: single nucleotide variant.
Coding change: c.140G>C on transcript NM_000501.4 (MANE Select); coding-DNA position 140, G replaced by C.
Protein change: p.Gly47Ala; replaces glycine 47 with alanine.
Molecular consequence: missense variant. On other transcripts: intron variant (4).
Genome position (GRCh38, 1-based): chr7:74,036,561, G>C. VCF-style: chr7-74036561-G-C. GRCh37 (hg19) VCF-style: chr7-73450891-G-C.
Other names: c.140G>C, p.Gly47Ala (NM_001081753.3, NM_001081754.3, NM_001081755.3 and 5 more transcripts); c.134-1146G>C (NM_001278914.2, NM_001278917.2, NM_001081752.3 and 1 more transcripts); short protein forms G47A.
Identifiers: ClinVar variation 1676064 (VCV001676064.38), dbSNP rs1554665826, ClinGen allele CA367868923.

ClinVar aggregate classification (germline): Uncertain significance. Review status: criteria provided, multiple submitters, no conflicts (2 of 4 stars). 2 submissions from 2 submitters: Uncertain significance (2). Last evaluated 2023-11-27.

Conditions:
Supravalvar aortic stenosis (SVAS). Also called: Supravalvar aortic stenosis, Eisenberg type. Identifiers: Orphanet 3193, MedGen C0003499, MONDO:0008504, OMIM 185500, HP:0004381.

Allele frequency attached by ClinVar (database versions not stated): gnomAD exomes below 0.00001 and 0.00001.
gnomAD v4.1: 8 of 1,614,108 alleles (0.0005%); highest among the groups gnomAD compares: Non-Finnish European, 0.00068%; no homozygotes.

Submissions (2):

Labcorp Genetics (formerly Invitae), Labcorp
Classification: Uncertain significance for Supravalvar aortic stenosis. Last evaluated: 2023-11-27. Review status: criteria provided, single submitter. Criteria: Invitae Variant Classification Sherloc (09022015). Collection method: clinical testing. Allele origin: germline.
Comment: This sequence change replaces glycine, which is neutral and non-polar, with alanine, which is neutral and non-polar, at codon 47 of the ELN protein (p.Gly47Ala). This variant is present in population databases (no rsID available, gnomAD 0.0009%). This missense change has been observed in individual(s) with thoracic aortic aneurysm and dissection (PMID: 30675029). ClinVar contains an entry for this variant (Variation ID: 1676064). Advanced modeling of protein sequence and biophysical properties (such as structural, functional, and spatial information, amino acid conservation, physicochemical variation, residue mobility, and thermodynamic stability) performed at Invitae indicates that this missense variant is not expected to disrupt ELN protein function with a negative predictive value of 80%. In summary, the available evidence is currently insufficient to determine the role of this variant in disease. Therefore, it has been classified as a Variant of Uncertain Significance.

CeGaT Center for Human Genetics Tuebingen
Classification: Uncertain significance. Last evaluated: 2022-03-01. Review status: criteria provided, single submitter. Criteria: CeGaT Center For Human Genetics Tuebingen Variant Classification Criteria Version 2. Collection method: clinical testing. Allele origin: germline. Affected: yes. Observed: 1 variant allele.
Comment: ELN: PM2

Literature cited by the submitters: PubMed 30675029 (cited by Labcorp Genetics (formerly Invitae), Labcorp).